The following is an entry in ClinVar:

ClinVar aggregate classification (germline): Likely benign (1 of 4 stars; one submission).

Submission:

CeGaT Center for Human Genetics Tuebingen
Classification: Likely benign. Last evaluated: 2026-07-01. Review status: criteria provided, single submitter. Criteria: CeGaT Center For Human Genetics Tuebingen Variant Classification Criteria Version 2. Collection method: clinical testing. Allele origin: germline. Affected: yes. Observed: 1 variant allele.
Comment: AHNAK2: BP4, BP7

NM_138420.4(AHNAK2):c.2643C>G (p.Leu881=)

Gene: AHNAK2 (AHNAK nucleoprotein 2; minus strand). Cytogenetic location: 14q32.33.
Variant type: single nucleotide variant.
Coding change: c.2643C>G on transcript NM_138420.4 (MANE Select); coding-DNA position 2643, C replaced by G.
Protein change: p.Leu881=; no amino-acid change (leucine 881 retained).
Molecular consequence: synonymous variant.
Genome position (GRCh38, 1-based): chr14:104,952,808, G>C on the plus strand (C>G on the coding strand, the complement: AHNAK2 is on the minus strand). VCF-style: chr14-104952808-G-C. GRCh37 (hg19) VCF-style: chr14-105419145-G-C.
Other names: c.2343C>G, p.Leu781= (NM_001350929.2).
Identifiers: ClinVar variation 5039153 (VCV005039153.1).